The following is an entry in ClinVar:

ClinVar aggregate classification (germline): Uncertain significance (1 of 4 stars; one submission).

Submission:

Quest Diagnostics Nichols Institute San Juan Capistrano
Classification: Uncertain significance. Last evaluated: 2025-02-20. Review status: criteria provided, single submitter. Criteria: Quest Diagnostics criteria. Collection method: clinical testing. Allele origin: unknown.
Comment: The MSH3 c.836A>C (p.Asn279Thr) variant has not been reported in individuals with MSH3-related conditions in the published literature. It also has not been reported in large, multi-ethnic general populations (Genome Aggregation Database). Analysis of this variant using bioinformatics tools for the prediction of the effect of amino acid changes on protein structure and function yielded predictions that this variant is damaging. Based on the available information, we are unable to determine the clinical significance of this variant.

NM_002439.5(MSH3):c.836A>C (p.Asn279Thr)

Gene: MSH3 (mutS homolog 3; plus strand). Cytogenetic location: 5q14.1.
Variant type: single nucleotide variant.
Coding change: c.836A>C on transcript NM_002439.5 (MANE Select); coding-DNA position 836, A replaced by C.
Protein change: p.Asn279Thr; replaces asparagine 279 with threonine.
Molecular consequence: missense variant.
Genome position (GRCh38, 1-based): chr5:80,672,287, A>C. VCF-style: chr5-80672287-A-C. GRCh37 (hg19) VCF-style: chr5-79968106-A-C.
Other names: short protein forms N279T.
Identifiers: ClinVar variation 4533046 (VCV004533046.1).